The following is an entry in ClinVar:

NM_001377295.2(GNAT2):c.742C>A (p.His248Asn)

Gene: GNAT2 (G protein subunit alpha transducin 2; minus strand). Cytogenetic location: 1p13.3.
Variant type: single nucleotide variant.
Coding change: c.742C>A on transcript NM_001377295.2 (MANE Select); coding-DNA position 742, C replaced by A.
Protein change: p.His248Asn; replaces histidine 248 with asparagine.
Molecular consequence: missense variant.
Genome position (GRCh38, 1-based): chr1:109,604,083, G>T on the plus strand (C>A on the coding strand, the complement: GNAT2 is on the minus strand). VCF-style: chr1-109604083-G-T. GRCh37 (hg19) VCF-style: chr1-110146705-G-T.
Other names: c.742C>A, p.His248Asn (NM_001379232.1, NM_005272.5); short protein forms H248N.
Identifiers: ClinVar variation 1042247 (VCV001042247.5), dbSNP rs1412729148, ClinGen allele CA341534328.
Genomic context (GRCh38, chr1:109,604,083, plus strand): 5'-GAAAGAGGACAATGGAAGTAGCCGCAAAGAATTTGTGGTTACATATGCTGTTGAACAGAT[G>T]CAAAGACTCATGCATACGATTCTAGTAAGAGGAAACACCATTGGAAATATCAGATTTGGC-3'
Protein context (NP_001364224.1, residues 238-258): DEVNRMHESL[His248Asn]LFNSICNHKF

ClinVar aggregate classification (germline): Uncertain significance (1 of 4 stars; one submission).

Allele frequency attached by ClinVar (database versions not stated): gnomAD 0.00001; TOPMed 0.00001.

Submission:

Labcorp Genetics (formerly Invitae), Labcorp
Classification: Uncertain significance. Last evaluated: 2024-05-20. Review status: criteria provided, single submitter. Criteria: Invitae Variant Classification Sherloc (09022015). Collection method: clinical testing. Allele origin: germline.
Comment: This sequence change replaces histidine, which is basic and polar, with asparagine, which is neutral and polar, at codon 248 of the GNAT2 protein (p.His248Asn). The frequency data for this variant in the population databases is considered unreliable, as metrics indicate poor data quality at this position in the gnomAD database. This variant has not been reported in the literature in individuals affected with GNAT2-related conditions. ClinVar contains an entry for this variant (Variation ID: 1042247). Advanced modeling of protein sequence and biophysical properties (such as structural, functional, and spatial information, amino acid conservation, physicochemical variation, residue mobility, and thermodynamic stability) performed at Invitae indicates that this missense variant is not expected to disrupt GNAT2 protein function with a negative predictive value of 80%. In summary, the available evidence is currently insufficient to determine the role of this variant in disease. Therefore, it has been classified as a Variant of Uncertain Significance.